The following is an entry in ClinVar:

NM_000018.4(ACADVL):c.1550G>T (p.Ser517Ile)

Gene: ACADVL (acyl-CoA dehydrogenase very long chain; plus strand). Cytogenetic location: 17p13.1.
Variant type: single nucleotide variant.
Coding change: c.1550G>T on transcript NM_000018.4 (MANE Select); coding-DNA position 1550, G replaced by T.
Protein change: p.Ser517Ile; replaces serine 517 with isoleucine.
Molecular consequence: missense variant.
Genome position (GRCh38, 1-based): chr17:7,224,338, G>T. VCF-style: chr17-7224338-G-T. GRCh37 (hg19) VCF-style: chr17-7127657-G-T.
Other names: c.1484G>T, p.Ser495Ile (NM_001033859.3); c.1619G>T, p.Ser540Ile (NM_001270447.2); c.1322G>T, p.Ser441Ile (NM_001270448.2); short protein forms S441I, S517I, S540I, S495I.
Identifiers: ClinVar variation 3465194 (VCV003465194.1).

ClinVar aggregate classification (germline): Uncertain significance (1 of 4 stars; one submission).

Conditions:
Inborn genetic diseases. Identifiers: MedGen C0950123, MeSH D030342.

Submission:

Ambry Genetics
Classification: Uncertain significance for Inborn genetic diseases. Last evaluated: 2024-11-23. Review status: criteria provided, single submitter. Criteria: Ambry Variant Classification Scheme 2023. Collection method: clinical testing. Allele origin: germline.
Comment: The p.S517I variant (also known as c.1550G>T), located in coding exon 16 of the ACADVL gene, results from a G to T substitution at nucleotide position 1550. The serine at codon 517 is replaced by isoleucine, an amino acid with dissimilar properties. This amino acid position is conserved. In addition, the in silico prediction for this alteration is inconclusive. Based on the available evidence, the clinical significance of this variant remains unclear.